The following is an entry in ClinVar:

NM_001135998.3(NDUFB11):c.427G>C (p.Asp143His)

Gene: NDUFB11 (NADH:ubiquinone oxidoreductase subunit B11; minus strand). Cytogenetic location: Xp11.3.
Variant type: single nucleotide variant.
Coding change: c.427G>C on transcript NM_001135998.3 (MANE Select); coding-DNA position 427, G replaced by C.
Protein change: p.Asp143His; replaces aspartic acid 143 with histidine.
Molecular consequence: missense variant.
Genome position (GRCh38, 1-based): chrX:47,142,352, C>G on the plus strand (G>C on the coding strand, the complement: NDUFB11 is on the minus strand). VCF-style: chrX-47142352-C-G. GRCh37 (hg19) VCF-style: chrX-47001751-C-G.
Other names: c.457G>C, p.Asp153His (NM_019056.7); short protein forms D143H, D153H.
Identifiers: ClinVar variation 2632865 (VCV002632865.1), dbSNP rs374083393, ClinGen allele CA10394876.
Genomic context (GRCh38, chrX:47,142,352, plus strand): 5'-TTCTTGAGCCCCACTTAGCAACTGGTCACTCATCCTCTGGCAGCTGGATCTTGCTGGGGT[C>G]GAAGCAGTTGGATTCCATGATGGGAAGGCCATTGGCCTCTCGGTATTTCACAAGCCTCTC-3'
Protein context (NP_001129470.1, residues 133-153): GLPIMESNCF[Asp143His]PSKIQLPEDE

ClinVar aggregate classification (germline): Uncertain significance (1 of 4 stars; one submission).

Conditions:
NDUFB11-related disorders. Also called: NDUFB11-related disorder; NDUFB11-related condition. Identifiers: MedGen CN378754, MONDO:1040023.

Allele frequency attached by ClinVar (database versions not stated): ExAC 0.00001.

Submission:

PreventionGenetics, part of Exact Sciences
Classification: Uncertain significance for NDUFB11-related condition. Last evaluated: 2023-05-15. Review status: criteria provided, single submitter. Criteria: ACMG Guidelines, 2015. Collection method: clinical testing. Allele origin: germline.
Comment: The NDUFB11 c.457G>C variant is predicted to result in the amino acid substitution p.Asp153His. To our knowledge, this variant has not been reported in the literature. This variant is reported in 0.0077% of alleles in individuals of African descent in gnomAD. At this time, the clinical significance of this variant is uncertain due to the absence of conclusive functional and genetic evidence.